The following is an entry in ClinVar:

NM_000535.7(PMS2):c.100A>G (p.Ser34Gly)

Gene: PMS2 (PMS1 homolog 2, mismatch repair system component; minus strand). Cytogenetic location: 7p22.1.
Variant type: single nucleotide variant.
Coding change: c.100A>G on transcript NM_000535.7 (MANE Select); coding-DNA position 100, A replaced by G.
Protein change: p.Ser34Gly; replaces serine 34 with glycine.
Molecular consequence: missense variant. On other transcripts: 5 prime UTR variant (8), non-coding transcript variant (1), intron variant (3).
Genome position (GRCh38, 1-based): chr7:6,005,955, T>C on the plus strand (A>G on the coding strand, the complement: PMS2 is on the minus strand). VCF-style: chr7-6005955-T-C. GRCh37 (hg19) VCF-style: chr7-6045586-T-C.
Other names: c.-306A>G (NM_001322003.2, NM_001322005.2, NM_001322009.2 and 1 more transcripts); c.100A>G, p.Ser34Gly (NM_001322006.2, NM_001322014.2); c.-116A>G (NM_001322007.2); c.-785A>G (NM_001322011.2, NM_001322012.2); c.-385A>G (NM_001322015.2); c.-52-1897A>G (NM_001322008.2); c.-242-1897A>G (NM_001322010.2, NM_001322004.2); short protein forms S34G.
Identifiers: ClinVar variation 1324940 (VCV001324940.4), dbSNP rs730881912, ClinGen allele CA366745064.
Genomic context (GRCh38, chr7:6,005,955, plus strand): 5'-TATTAGTGGCACCAGCATCCAGACTGTTTTCTACTAACTCCTTTACCGCAGTGCTTAGAC[T>C]CAGTACCACCTGCCCAGAGCAAATCTGATGGACTGACTTCCGATCAATAGGTTTGATGGC-3'
Protein context (NP_000526.2, residues 24-44): HQICSGQVVL[Ser34Gly]LSTAVKELVE

ClinVar aggregate classification (germline): Uncertain significance. Review status: criteria provided, multiple submitters, no conflicts (2 of 4 stars). 2 submissions from 2 submitters: Uncertain significance (2). Last evaluated 2024-07-20.

Conditions:
Lynch syndrome. Identifiers: Orphanet 144, MedGen C4552100, MONDO:0005835. Disease mechanism: loss of function.
Hereditary cancer-predisposing syndrome. Also called: Hereditary Cancer Syndrome; Tumor predisposition; Neoplastic Syndromes, Hereditary; Hereditary neoplastic syndrome. Identifiers: Orphanet 140162, MedGen C0027672, MeSH D009386, MONDO:0015356.

Submissions (2):

All of Us Research Program, National Institutes of Health
Classification: Uncertain significance for Lynch syndrome. Last evaluated: 2024-07-20. Review status: criteria provided, single submitter. Criteria: ACMG Guidelines, 2015. Collection method: clinical testing. Allele origin: germline. Inheritance: Autosomal dominant inheritance. Observed: 1 variant allele, 1 heterozygote.
Comment: This missense variant replaces serine with glycine at codon 34 of the PMS2 protein. Computational prediction suggests that this variant may not impact protein structure and function (internally defined REVEL score threshold <= 0.5, PMID: 27666373). To our knowledge, functional studies have not been reported for this variant. This variant has not been reported in individuals affected with PMS2-related disorders in the literature. This variant has not been identified in the general population by the Genome Aggregation Database (gnomAD). The available evidence is insufficient to determine the role of this variant in disease conclusively. Therefore, this variant is classified as a Variant of Uncertain Significance.

This study involves interpretation of variants in research participants for the purpose of population health screening. Participant phenotype was not available at the time of variant classification. Additional details can be found in publication PMID: 35346344, PMCID: PMC8962531

Ambry Genetics
Classification: Uncertain significance for Hereditary cancer-predisposing syndrome. Last evaluated: 2021-12-15. Review status: criteria provided, single submitter. Criteria: Ambry Variant Classification Scheme 2023. Collection method: clinical testing. Allele origin: germline.
Comment: The p.S34G variant (also known as c.100A>G), located in coding exon 2 of the PMS2 gene, results from an A to G substitution at nucleotide position 100. The serine at codon 34 is replaced by glycine, an amino acid with similar properties. This amino acid position is not well conserved in available vertebrate species. In addition, the in silico prediction for this alteration is inconclusive. Since supporting evidence is limited at this time, the clinical significance of this alteration remains unclear.